The following is an entry in ClinVar:

NM_000182.5(HADHA):c.1888C>G (p.Arg630Gly)

Genes: GAREM2 (GRB2 associated regulator of MAPK1 subtype 2; plus strand), HADHA (hydroxyacyl-CoA dehydrogenase trifunctional multienzyme complex subunit alpha; minus strand). Cytogenetic location: 2p23.3.
Variant type: single nucleotide variant.
Coding change: c.1888C>G on transcript NM_000182.5 (MANE Select); coding-DNA position 1888, C replaced by G.
Protein change: p.Arg630Gly; replaces arginine 630 with glycine.
Molecular consequence: missense variant.
Genome position (GRCh38, 1-based): chr2:26,192,422, G>C on the plus strand (C>G on the coding strand, the complement: HADHA is on the minus strand). VCF-style: chr2-26192422-G-C. GRCh37 (hg19) VCF-style: chr2-26415291-G-C.
Other names: short protein forms R630G.
Identifiers: ClinVar variation 1916438 (VCV001916438.5), dbSNP rs756007713, ClinGen allele CA346115669.
Genomic context (GRCh38, chr2:26,192,422, plus strand): 5'-AATTCAAATCCTTCCTCTTCACACCCTCCTGATAGATGTAAAAGCCCTTCCCAGATTTAC[G>C]ACCTAAAACAGGCAAGAAAAGGGAGTGTTACTATTTGTTCTCAGGGAGGGAGTGTTACTA-3'
Protein context (NP_000173.2, residues 620-640): TQMVSKGFLG[Arg630Gly]KSGKGFYIYQ

ClinVar aggregate classification (germline): Uncertain significance (1 of 4 stars; one submission).

Conditions:
Mitochondrial trifunctional protein deficiency. Identifiers: Orphanet 746, MedGen C1969443, MONDO:0012172.
Long chain 3-hydroxyacyl-CoA dehydrogenase deficiency. Also called: Deficiency of long-chain 3-hydroxyacyl-coenzyme A dehydrogenase; LCHAD Deficiency. Identifiers: Orphanet 5, MedGen C3711645, MONDO:0012173, OMIM 609016.

Submission:

Labcorp Genetics (formerly Invitae), Labcorp
Classification: Uncertain significance for Mitochondrial trifunctional protein deficiency; Long chain 3-hydroxyacyl-CoA dehydrogenase deficiency. Last evaluated: 2024-04-15. Review status: criteria provided, single submitter. Criteria: Invitae Variant Classification Sherloc (09022015). Collection method: clinical testing. Allele origin: germline.
Comment: This sequence change replaces arginine, which is basic and polar, with glycine, which is neutral and non-polar, at codon 630 of the HADHA protein (p.Arg630Gly). This variant is not present in population databases (gnomAD no frequency). This variant has not been reported in the literature in individuals affected with HADHA-related conditions. ClinVar contains an entry for this variant (Variation ID: 1916438). An algorithm developed to predict the effect of missense changes on protein structure and function (PolyPhen-2) suggests that this variant is likely to be disruptive. In summary, the available evidence is currently insufficient to determine the role of this variant in disease. Therefore, it has been classified as a Variant of Uncertain Significance.